The following is an entry in ClinVar:

ClinVar aggregate classification (germline): Pathogenic (1 of 4 stars; one submission).

Conditions:
VPS13A-related neurodegenerative disease. Also called: ACANTHOCYTOSIS WITH NEUROLOGIC DISORDER; LEVINE-CRITCHLEY SYNDROME; Choreoacanthocytosis; Chorea-acanthocytosis; Choreaacanthocytosis; VPS13A Disease. Identifiers: Orphanet 2388, MedGen C0393576, MONDO:0008695, OMIM 200150.

Submission:

Myriad Genetics, Inc.
Classification: Pathogenic for VPS13A-related neurodegenerative disease. Last evaluated: 2025-12-15. Review status: criteria provided, single submitter. Criteria: Myriad Autosomal Dominant, Autosomal Recessive and X-Linked Classification Criteria (2023). Collection method: clinical testing. Allele origin: unknown.
Comment: NM_033305.2(VPS13A):c.4198dupA(T1400Nfs*2) is expected to be pathogenic in the context of VPS13A disease. This variant is predicted to lead to an abnormal or absent protein product due to the creation of a premature termination codon in VPS13A, a gene where loss-of-function variants are known to be pathogenic. Please note: this variant was assessed in the context of healthy population screening.

NM_033305.3(VPS13A):c.4198dup (p.Thr1400fs)

Gene: VPS13A (vacuolar protein sorting 13 homolog A; plus strand). Cytogenetic location: 9q21.2.
Variant type: Duplication.
Coding change: c.4198dup on transcript NM_033305.3 (MANE Select); coding-DNA position 4198, one base duplicated (A; older notation c.4198dupA).
Protein change: p.Thr1400fs; shifts the reading frame from threonine 1400.
Molecular consequence: frameshift variant.
Genome position (GRCh38, 1-based): chr9:77,314,075, A duplicated; the last of 4 consecutive A bases (chr9:77,314,072-77,314,075); duplicating any one gives the same sequence. VCF-style (leftmost placement, unchanged base first): chr9-77314071-C-CA. GRCh37 (hg19) VCF-style: chr9-79928987-C-CA.
Other names: c.4081dup, p.Thr1361fs (NM_001018037.2); c.4198dup, p.Thr1400fs (NM_001018038.3, NM_015186.4); short protein forms T1361fs, T1400fs.
Identifiers: ClinVar variation 5015323 (VCV005015323.1).